The following is an entry in ClinVar:

ClinVar aggregate classification (germline): Uncertain significance (1 of 4 stars; one submission).

Conditions:
Hyperkalemic periodic paralysis. Also called: Familial hyperkalemic periodic paralysis; Gamstorp disease. Identifiers: Orphanet 682, MedGen C0238357, MONDO:0008224, OMIM 170500, HP:0007215.

gnomAD v4.1: 1 of 1,613,488 alleles (0.000062%); highest among the groups gnomAD compares: Admixed American, 0.0017%; no homozygotes.

Submission:

Labcorp Genetics (formerly Invitae), Labcorp
Classification: Uncertain significance for Hyperkalemic periodic paralysis. Last evaluated: 2025-07-16. Review status: criteria provided, single submitter. Criteria: Invitae Variant Classification Sherloc (09022015). Collection method: clinical testing. Allele origin: germline.
Comment: This sequence change replaces tyrosine, which is neutral and polar, with cysteine, which is neutral and slightly polar, at codon 1320 of the SCN4A protein (p.Tyr1320Cys). This variant is present in population databases (no rsID available, gnomAD 0.003%). This variant has not been reported in the literature in individuals affected with SCN4A-related conditions. Invitae Evidence Modeling of protein sequence and biophysical properties (such as structural, functional, and spatial information, amino acid conservation, physicochemical variation, residue mobility, and thermodynamic stability) indicates that this missense variant is expected to disrupt SCN4A protein function with a positive predictive value of 80%. In summary, the available evidence is currently insufficient to determine the role of this variant in disease. Therefore, it has been classified as a Variant of Uncertain Significance.

NM_000334.4(SCN4A):c.3959A>G (p.Tyr1320Cys)

Genes: GH-LCR (growth hormone locus control region; plus strand), SCN4A (sodium voltage-gated channel alpha subunit 4; minus strand). Cytogenetic location: 17q23.3.
Variant type: single nucleotide variant.
Coding change: c.3959A>G on transcript NM_000334.4 (MANE Select); coding-DNA position 3959, A replaced by G.
Protein change: p.Tyr1320Cys; replaces tyrosine 1320 with cysteine.
Molecular consequence: missense variant.
Genome position (GRCh38, 1-based): chr17:63,943,804, T>C on the plus strand (A>G on the coding strand, the complement: SCN4A is on the minus strand). VCF-style: chr17-63943804-T-C. GRCh37 (hg19) VCF-style: chr17-62021164-T-C.
Other names: short protein forms Y1320C.
Identifiers: ClinVar variation 4739042 (VCV004739042.1).
Genomic context (GRCh38, chr17:63,943,804, plus strand): 5'-ACCTGGGGCCGGGGAATTGGCTTCTGAGGCTTCTTGGAGCCAAGCTTCTTCATGGCGTTA[T>C]AGTATTTCTTCTGTTCCTCCGTCATAAAGATGTCTTTCCCCCCTAAGTATAGTGGGATAG-3'
Protein context (NP_000325.4, residues 1310-1330): IFMTEEQKKY[Tyr1320Cys]NAMKKLGSKK